The following is an entry in ClinVar:

NM_024675.4(PALB2):c.332A>T (p.Asp111Val)

Gene: PALB2 (partner and localizer of BRCA2; minus strand). Cytogenetic location: 16p12.2.
Variant type: single nucleotide variant.
Coding change: c.332A>T on transcript NM_024675.4 (MANE Select); coding-DNA position 332, A replaced by T.
Protein change: p.Asp111Val; replaces aspartic acid 111 with valine.
Molecular consequence: missense variant. On other transcripts: 5 prime UTR variant (8), intron variant (3).
Genome position (GRCh38, 1-based): chr16:23,636,214, T>A on the plus strand (A>T on the coding strand, the complement: PALB2 is on the minus strand). VCF-style: chr16-23636214-T-A. GRCh37 (hg19) VCF-style: chr16-23647535-T-A.
Other names: c.272A>T, p.Asp91Val (NM_001407296.1); c.332A>T, p.Asp111Val (NM_001407297.1, NM_001407298.1, NM_001407299.1 and 3 more transcripts); c.-554A>T (NM_001407304.1, NM_001407305.1, NM_001407306.1 and 5 more transcripts); c.48+4896A>T (NM_001407314.1); c.-105+4896A>T (NM_001407313.1, NM_001407312.1); short protein forms D91V, D111V.
Identifiers: ClinVar variation 4664023 (VCV004664023.1).

ClinVar aggregate classification (germline): Uncertain significance (1 of 4 stars; one submission).

Conditions:
Hereditary cancer-predisposing syndrome. Also called: Neoplastic Syndromes, Hereditary; Tumor predisposition; Hereditary Cancer Syndrome; Hereditary neoplastic syndrome. Identifiers: Orphanet 140162, MedGen C0027672, MeSH D009386, MONDO:0015356.

Submission:

Ambry Genetics
Classification: Uncertain significance for Hereditary cancer-predisposing syndrome. Last evaluated: 2025-11-08. Review status: criteria provided, single submitter. Criteria: Ambry Variant Classification Scheme 2023. Collection method: clinical testing. Allele origin: germline.
Comment: The p.D111V variant (also known as c.332A>T), located in coding exon 4 of the PALB2 gene, results from an A to T substitution at nucleotide position 332. The aspartic acid at codon 111 is replaced by valine, an amino acid with highly dissimilar properties. This amino acid position is conserved. In addition, this alteration is predicted to be tolerated by in silico analysis. Based on the available evidence, the clinical significance of this variant remains unclear.